The following is an entry in ClinVar:

ClinVar aggregate classification (germline): Uncertain significance. Review status: criteria provided, multiple submitters, no conflicts (2 of 4 stars). 2 submissions from 2 submitters: Uncertain significance (2). Last evaluated 2023-09-14.

Conditions:
Neuroblastoma, susceptibility to, 3. Also called: ALK-Related Neuroblastic Tumor Susceptibility. Identifiers: Orphanet 635, MedGen C2751681, MONDO:0013083, OMIM 613014.

Submissions (2):

Baylor Genetics
Classification: Uncertain significance for Neuroblastoma, susceptibility to, 3. Last evaluated: 2023-09-14. Review status: criteria provided, single submitter. Criteria: ACMG Guidelines, 2015. Collection method: clinical testing. Allele origin: unknown.

Labcorp Genetics (formerly Invitae), Labcorp
Classification: Uncertain significance for Neuroblastoma, susceptibility to, 3. Last evaluated: 2023-08-04. Review status: criteria provided, single submitter. Criteria: Invitae Variant Classification Sherloc (09022015). Collection method: clinical testing. Allele origin: germline.
Comment: ClinVar contains an entry for this variant (Variation ID: 239808). This variant has not been reported in the literature in individuals affected with ALK-related conditions. This variant is not present in population databases (gnomAD no frequency). This sequence change replaces glutamic acid, which is acidic and polar, with aspartic acid, which is acidic and polar, at codon 86 of the ALK protein (p.Glu86Asp). An algorithm developed to predict the effect of missense changes on protein structure and function (PolyPhen-2) suggests that this variant is likely to be tolerated. In summary, the available evidence is currently insufficient to determine the role of this variant in disease. Therefore, it has been classified as a Variant of Uncertain Significance.

NM_004304.5(ALK):c.258G>C (p.Glu86Asp)

Gene: ALK (ALK receptor tyrosine kinase; minus strand). Cytogenetic location: 2p23.1.
Variant type: single nucleotide variant.
Coding change: c.258G>C on transcript NM_004304.5 (MANE Select); coding-DNA position 258, G replaced by C.
Protein change: p.Glu86Asp; replaces glutamic acid 86 with aspartic acid.
Molecular consequence: missense variant.
Genome position (GRCh38, 1-based): chr2:29,920,402, C>G on the plus strand (G>C on the coding strand, the complement: ALK is on the minus strand). VCF-style: chr2-29920402-C-G. GRCh37 (hg19) VCF-style: chr2-30143268-C-G.
Other names: short protein forms E86D.
Identifiers: ClinVar variation 239808 (VCV000239808.11), dbSNP rs878854654, ClinGen allele CA10581966.